The following is an entry in ClinVar:

NM_138694.4(PKHD1):c.1185T>C (p.Asp395=)

Gene: PKHD1 (PKHD1 ciliary IPT domain containing fibrocystin/polyductin; minus strand). Cytogenetic location: 6p12.2.
Variant type: single nucleotide variant.
Coding change: c.1185T>C on transcript NM_138694.4 (MANE Select); coding-DNA position 1185, T replaced by C.
Protein change: p.Asp395=; no amino-acid change (aspartic acid 395 retained).
Molecular consequence: synonymous variant.
Genome position (GRCh38, 1-based): chr6:52,059,976, A>G on the plus strand (T>C on the coding strand, the complement: PKHD1 is on the minus strand). VCF-style: chr6-52059976-A-G. GRCh37 (hg19) VCF-style: chr6-51924774-A-G.
Other names: p.Asp395=; c.1185T>C, p.Asp395= (NM_170724.3).
Identifiers: ClinVar variation 96374 (VCV000096374.39), dbSNP rs1896976, ClinGen allele CA149484.

ClinVar aggregate classification (germline): Benign. Review status: criteria provided, multiple submitters, no conflicts (2 of 4 stars). 14 submissions from 14 submitters: Benign (9). 5 of the submissions do not count toward it. Last evaluated 2026-02-04.

Conditions:
Polycystic kidney disease 4 (PKD4). Also called: POLYCYSTIC KIDNEY AND HEPATIC DISEASE 1; POLYCYSTIC KIDNEY DISEASE, INFANTILE, TYPE I; POLYCYSTIC KIDNEY DISEASE 4 WITH OR WITHOUT POLYCYSTIC LIVER DISEASE; PKD3; Autosomal Recessive Polycystic Kidney Disease – PKHD1. Identifiers: MedGen C4540575, MONDO:0033004, OMIM 263200.
Autosomal recessive polycystic kidney disease (ARPKD). Also called: AR polycystic kidney disease. Identifiers: Orphanet 731, Orphanet 8378, MedGen C0085548, MeSH D017044, MONDO:0009889.
Polycystic kidney disease. Also called: Kidney, Polycystic; Polycystic kidney dysplasia. Identifiers: MedGen C0022680, MeSH D007690, MONDO:0020642, HP:0000113.

Allele frequency attached by ClinVar (database versions not stated): 1000 Genomes Project 30x 0.95534; 1000 Genomes Project 0.95827; ESP Exome Variant Server 0.95917; TOPMed 0.95968; gnomAD 0.96234 and 0.96502; ExAC 0.98830; gnomAD exomes 0.99029.
gnomAD v4.1: 1,599,074 of 1,609,952 alleles (99%); highest among the groups gnomAD compares: East Asian, 100%; 794,682 homozygotes.

Submissions (14):

Labcorp Genetics (formerly Invitae), Labcorp
Classification: Benign for Autosomal recessive polycystic kidney disease. Last evaluated: 2026-02-04. Review status: criteria provided, single submitter. Criteria: Invitae Variant Classification Sherloc (09022015). Collection method: clinical testing. Allele origin: germline.

Blueprint Genetics
Classification: Benign. Last evaluated: 2024-11-27. Review status: criteria provided, single submitter. Criteria: ACMG Guidelines, 2015. Collection method: clinical testing. Allele origin: germline.

Mayo Clinic Laboratories, Mayo Clinic
Classification: Benign. Last evaluated: 2022-03-09. Review status: criteria provided, single submitter. Criteria: ACMG Guidelines, 2015. Collection method: clinical testing. Allele origin: germline. Observed: 762 variant alleles.

Genome-Nilou Lab
Classification: Benign for Polycystic kidney disease 4. Last evaluated: 2021-09-05. Review status: criteria provided, single submitter. Criteria: ACMG Guidelines, 2015. Collection method: clinical testing. Allele origin: germline. Affected: no.

Pars Genome Lab
Classification: Benign for Polycystic kidney disease 4. Last evaluated: 2021-06-19. Review status: criteria provided, single submitter. Criteria: ACMG Guidelines, 2015. Collection method: clinical testing. Allele origin: germline. Affected: no.

GeneDx
Classification: Benign. Last evaluated: 2018-07-09. Review status: criteria provided, single submitter. Criteria: GeneDx Variant Classification Process June 2021. Collection method: clinical testing. Allele origin: germline. Affected: yes.

Illumina Laboratory Services, Illumina
Classification: Benign for Polycystic kidney disease 4. Last evaluated: 2018-01-13. Review status: criteria provided, single submitter. Criteria: ICSL Variant Classification Criteria 13 December 2019. Collection method: clinical testing. Allele origin: germline.
Comment: This variant was observed in the ICSL laboratory as part of a predisposition screen in an ostensibly healthy population. It had not been previously curated by ICSL or reported in the Human Gene Mutation Database (HGMD: prior to June 1st, 2018), and was therefore a candidate for classification through an automated scoring system. Utilizing variant allele frequency, disease prevalence and penetrance estimates, and inheritance mode, an automated score was calculated to assess if this variant is too frequent to cause the disease. Based on the score and internal cut-off values, a variant classified as benign is not then subjected to further curation. The score for this variant resulted in a classification of benign for this disease.

Eurofins Ntd Llc (ga)
Classification: Benign. Last evaluated: 2015-10-27. Review status: criteria provided, single submitter. Criteria: EGL Classification Definitions 2015. Collection method: clinical testing. Allele origin: germline. Observed: 176 variant alleles, 3 heterozygotes, 173 homozygotes.

PreventionGenetics, part of Exact Sciences
Classification: Benign. Review status: criteria provided, single submitter. Criteria: ACMG Guidelines, 2015. Collection method: clinical testing. Allele origin: germline.

Natera, Inc.
Classification: Benign for Autosomal recessive polycystic kidney disease. Last evaluated: 2017-05-11. Review status: no assertion criteria provided. Collection method: clinical testing. Allele origin: germline. Not counted in ClinVar's aggregate classification.

Counsyl
Classification: Benign for Polycystic kidney disease, infantile type. Last evaluated: 2015-02-24. Review status: no assertion criteria provided. Collection method: literature only. Allele origin: unknown. Inheritance: Autosomal recessive inheritance. Not counted in ClinVar's aggregate classification.

Department of Pathology and Laboratory Medicine, Sinai Health System
Classification: Benign for Polycystic Kidney disease. Review status: no assertion criteria provided. Collection method: clinical testing. Allele origin: unknown. Affected: yes. Study: The Canadian Open Genetics Repository (COGR). Not counted in ClinVar's aggregate classification.
Comment: The PKHD1 p.Asp395= variant was identified in 29 of 258 proband chromosomes (frequency: 0.11) from individuals or families with ARPKD (Rossetti 2003, Losekoot 2005, Obeidova 2015). The variant was also identified in dbSNP (ID: rs1896976) as â€šÃ„ÃºWith Benign alleleâ€šÃ„Ã¹, ClinVar (4x, as benign, by EGL, Counsyl, Prevention Genetics, Illumina), RWTH AAachen University ARPKD database (115x, as polymorphism) databases. The variant was not identified in LOVD 3.0, databases. The variant was also identified by our laboratory in 19 individuals with ARPKD The variant was identified in control databases in 273534 of 276906 (135258 homozygous) chromosomes at a frequency of 0.987823 The variant was identified in the following populations at a frequency greater than 1%: African in 21039 of 24008 chromosomes (freq. 0.9), other in 6413 of 6458 chromosomes (freq. 0.99), Latino in 34151 of 34410 chromosomes (freq. 0.99), European in 126382 of 126462 chromosomes (freq. 0.99), Ashkenazi Jewish in 10130 of 10142 chromosomes (freq. 0.99), Eat Asian in 18862 of 18862 chromosomes (freq. 1), Finnish in 25784 of 25784 chromosomes (freq. 1),and South Asian in 30773 of 30784 chromosomes (freq. 0.99), increasing the likelihood this a benign variant (Genome Aggregation Consortium Feb 27, 2017). The p.Asp395Asp variant is not expected to have clinical significance because it does not result in a change of amino acid. The variant occurs outside of the splicing consensus sequence and 1 of 5 in silico or computational prediction software programs (SpliceSiteFinder, MaxEntScan, NNSPLICE, GeneSplicer, HumanSpliceFinder) predict a greater than 10% difference in splicing; this is not very predictive of pathogenicity. In summary, based on the above information this variant meets our laboratory criteria to be classified as benign.

Diagnostic Laboratory, Department of Genetics, University Medical Center Groningen
Classification: Benign. Review status: no assertion criteria provided. Collection method: clinical testing. Allele origin: germline. Affected: yes. Study: VKGL Data-share Consensus. Not counted in ClinVar's aggregate classification.

Joint Genome Diagnostic Labs from Nijmegen and Maastricht, Radboudumc and MUMC+
Classification: Benign. Review status: no assertion criteria provided. Collection method: clinical testing. Allele origin: germline. Affected: yes. Study: VKGL Data-share Consensus. Not counted in ClinVar's aggregate classification.

Literature cited by the submitters: PubMed 15698423 (cited by Counsyl); PubMed 12846734 (cited by Counsyl); PubMed 16133180 (cited by Counsyl).